The following is an entry in ClinVar:

NM_000138.5(FBN1):c.4843G>C (p.Gly1615Arg)

Gene: FBN1 (fibrillin 1; minus strand). Cytogenetic location: 15q21.1.
Variant type: single nucleotide variant.
Coding change: c.4843G>C on transcript NM_000138.5 (MANE Select); coding-DNA position 4843, G replaced by C.
Protein change: p.Gly1615Arg; replaces glycine 1615 with arginine.
Molecular consequence: missense variant.
Genome position (GRCh38, 1-based): chr15:48,465,667, C>G on the plus strand (G>C on the coding strand, the complement: FBN1 is on the minus strand). VCF-style: chr15-48465667-C-G. GRCh37 (hg19) VCF-style: chr15-48757864-C-G.
Other names: short protein forms G1615R.
Identifiers: ClinVar variation 921248 (VCV000921248.4), dbSNP rs1486011211, ClinGen allele CA392351305.

ClinVar aggregate classification (germline): Uncertain significance (1 of 4 stars; one submission).

Conditions:
Familial thoracic aortic aneurysm and aortic dissection (TAAD). Also called: Thoracic aortic aneurysms and dissections. Identifiers: Orphanet 91387, MedGen C4707243, MONDO:0019625.

Allele frequency attached by ClinVar (database versions not stated): gnomAD exomes below 0.00001; TOPMed below 0.00001.
gnomAD v4.1: 1 of 1,614,044 alleles (0.000062%); highest among the groups gnomAD compares: Non-Finnish European, 0.000085%; no homozygotes.

Submission:

Color Diagnostics, LLC DBA Color Health
Classification: Uncertain significance for Familial thoracic aortic aneurysm and aortic dissection. Last evaluated: 2024-03-06. Review status: criteria provided, single submitter. Criteria: ACMG Guidelines, 2015. Collection method: clinical testing. Allele origin: germline.
Comment: This missense variant replaces glycine with arginine at codon 1615 of the FBN1 protein. Computational prediction suggests that this variant may have deleterious impact on protein structure and function (internally defined REVEL score threshold >= 0.7, PMID: 27666373). Splice site prediction tools suggest that this variant may not impact RNA splicing. To our knowledge, functional studies have not been performed for this variant. This variant has not been reported in individuals affected with cardiovascular disorders in the literature. This variant has not been identified in the general population by the Genome Aggregation Database (gnomAD). The available evidence is insufficient to determine the role of this variant in disease conclusively. Therefore, this variant is classified as a Variant of Uncertain Significance.